The following is an entry in ClinVar:

NM_032043.3(BRIP1):c.1050T>C (p.Cys350=)

Gene: BRIP1 (BRCA1 interacting DNA helicase 1; minus strand). Cytogenetic location: 17q23.2.
Variant type: single nucleotide variant.
Coding change: c.1050T>C on transcript NM_032043.3 (MANE Select); coding-DNA position 1050, T replaced by C.
Protein change: p.Cys350=; no amino-acid change (cysteine 350 retained).
Molecular consequence: synonymous variant.
Genome position (GRCh38, 1-based): chr17:61,801,343, A>G on the plus strand (T>C on the coding strand, the complement: BRIP1 is on the minus strand). VCF-style: chr17-61801343-A-G. GRCh37 (hg19) VCF-style: chr17-59878704-A-G.
Identifiers: ClinVar variation 461058 (VCV000461058.13), dbSNP rs1555607717, ClinGen allele CA501151888.

ClinVar aggregate classification (germline): Benign/Likely benign. Review status: criteria provided, multiple submitters, no conflicts (2 of 4 stars). 3 submissions from 3 submitters: Benign (1); Likely benign (2). Last evaluated 2024-08-22.

Conditions:
Hereditary cancer-predisposing syndrome. Also called: Hereditary neoplastic syndrome; Neoplastic Syndromes, Hereditary; Tumor predisposition; Hereditary Cancer Syndrome. Identifiers: Orphanet 140162, MedGen C0027672, MeSH D009386, MONDO:0015356.
Fanconi anemia complementation group J. Also called: BRIP1-Related Fanconi Anemia. Identifiers: Orphanet 84, MedGen C1836860, MONDO:0012187, OMIM 609054.
Familial cancer of breast. Also called: BREAST CANCER, FAMILIAL; hereditary breast carcinoma; Hereditary breast cancer. Identifiers: Orphanet 227535, MedGen C0346153, MONDO:0016419, OMIM 114480. Disease mechanism: loss of function.

Allele frequency attached by ClinVar (database versions not stated): gnomAD exomes below 0.00001.
gnomAD v4.1: 1 of 1,614,052 alleles (0.000062%); highest among the groups gnomAD compares: African/African-American, 0.0013%; no homozygotes.

Submissions (3):

Myriad Genetics, Inc.
Classification: Benign for Familial cancer of breast. Last evaluated: 2024-08-22. Review status: criteria provided, single submitter. Criteria: Myriad Autosomal Dominant, Autosomal Recessive and X-Linked Classification Criteria (2023). Collection method: clinical testing. Allele origin: unknown.
Comment: This variant is considered benign. This variant is a silent/synonymous amino acid change and it is not expected to impact splicing.

Labcorp Genetics (formerly Invitae), Labcorp
Classification: Likely benign for Familial cancer of breast; Fanconi anemia complementation group J. Last evaluated: 2024-01-09. Review status: criteria provided, single submitter. Criteria: Invitae Variant Classification Sherloc (09022015). Collection method: clinical testing. Allele origin: germline.

Ambry Genetics
Classification: Likely benign for Hereditary cancer-predisposing syndrome. Last evaluated: 2021-09-04. Review status: criteria provided, single submitter. Criteria: Ambry Variant Classification Scheme 2023. Collection method: clinical testing. Allele origin: germline.